The following is an entry in ClinVar:

ClinVar aggregate classification (germline): Uncertain significance (1 of 4 stars; one submission).

Submission:

Labcorp Genetics (formerly Invitae), Labcorp
Classification: Uncertain significance. Last evaluated: 2021-12-28. Review status: criteria provided, single submitter. Criteria: Invitae Variant Classification Sherloc (09022015). Collection method: clinical testing. Allele origin: germline.
Comment: This variant has not been reported in the literature in individuals affected with ENPP1-related conditions. In summary, the available evidence is currently insufficient to determine the role of this variant in disease. Therefore, it has been classified as a Variant of Uncertain Significance. Algorithms developed to predict the effect of missense changes on protein structure and function are either unavailable or do not agree on the potential impact of this missense change (SIFT: "Deleterious"; PolyPhen-2: "Possibly Damaging"; Align-GVGD: "Class C0"). This variant is not present in population databases (gnomAD no frequency). This sequence change replaces asparagine, which is neutral and polar, with histidine, which is basic and polar, at codon 297 of the ENPP1 protein (p.Asn297His).

NM_006208.3(ENPP1):c.889A>C (p.Asn297His)

Gene: ENPP1 (ectonucleotide pyrophosphatase/phosphodiesterase 1; plus strand). Cytogenetic location: 6q23.2.
Variant type: single nucleotide variant.
Coding change: c.889A>C on transcript NM_006208.3 (MANE Select); coding-DNA position 889, A replaced by C.
Protein change: p.Asn297His; replaces asparagine 297 with histidine.
Molecular consequence: missense variant.
Genome position (GRCh38, 1-based): chr6:131,860,480, A>C. VCF-style: chr6-131860480-A-C. GRCh37 (hg19) VCF-style: chr6-132181620-A-C.
Other names: short protein forms N297H.
Identifiers: ClinVar variation 2063636 (VCV002063636.4), dbSNP rs2483477343, ClinGen allele CA365668352.